The following is an entry in ClinVar:

ClinVar aggregate classification (germline): Uncertain significance (1 of 4 stars; one submission).

gnomAD v4.1: 14 of 1,613,284 alleles (0.00087%); highest among the groups gnomAD compares: South Asian, 0.0066%; no homozygotes.

Submission:

Labcorp Genetics (formerly Invitae), Labcorp
Classification: Uncertain significance. Last evaluated: 2025-02-20. Review status: criteria provided, single submitter. Criteria: Invitae Variant Classification Sherloc (09022015). Collection method: clinical testing. Allele origin: germline.
Comment: This sequence change replaces arginine, which is basic and polar, with tryptophan, which is neutral and slightly polar, at codon 809 of the CYFIP2 protein (p.Arg809Trp). This variant is present in population databases (rs780950093, gnomAD 0.01%). This variant has not been reported in the literature in individuals affected with CYFIP2-related conditions. Experimental studies and prediction algorithms are not available or were not evaluated, and the functional significance of this variant is currently unknown. In summary, the available evidence is currently insufficient to determine the role of this variant in disease. Therefore, it has been classified as a Variant of Uncertain Significance.

NM_001037333.3(CYFIP2):c.2425C>T (p.Arg809Trp)

Gene: CYFIP2 (cytoplasmic FMR1 interacting protein 2; plus strand). Cytogenetic location: 5q33.3.
Variant type: single nucleotide variant.
Coding change: c.2425C>T on transcript NM_001037333.3 (MANE Select); coding-DNA position 2425, C replaced by T.
Protein change: p.Arg809Trp; replaces arginine 809 with tryptophan.
Molecular consequence: missense variant.
Genome position (GRCh38, 1-based): chr5:157,339,096, C>T. VCF-style: chr5-157339096-C-T. GRCh37 (hg19) VCF-style: chr5-156766104-C-T.
Other names: c.2347C>T, p.Arg783Trp (NM_001291721.2); c.2500C>T, p.Arg834Trp (NM_001291722.2); c.2425C>T, p.Arg809Trp (NM_014376.4); short protein forms R809W, R834W, R783W.
Identifiers: ClinVar variation 4779463 (VCV004779463.1).